The following is an entry in ClinVar:

ClinVar aggregate classification (germline): Uncertain significance. Review status: criteria provided, multiple submitters, no conflicts (2 of 4 stars). 2 submissions from 2 submitters: Uncertain significance (2). Last evaluated 2023-06-22.

Conditions:
von Willebrand disease type 1 (VWD1). Also called: VWD, TYPE 1; VON WILLEBRAND DISEASE, TYPE I. Identifiers: Orphanet 166078, Orphanet 903, MedGen C1264039, MONDO:0008668, OMIM 193400. Inheritance: autosomal recessive or autosomal dominant.

Submissions (2):

Neuberg Centre For Genomic Medicine, NCGM
Classification: Uncertain significance for von Willebrand disease type 1. Last evaluated: 2023-06-22. Review status: criteria provided, single submitter. Criteria: ACMG Guidelines, 2015. Collection method: clinical testing. Allele origin: germline. Inheritance: Autosomal dominant inheritance. Affected: yes.
Comment: The missense c.4927G>A (p.Gly1643Ser) variant in VWF gene has not been reported previously as a pathogenic variant nor as a benign variant, to our knowledge. The p.Gly1643Ser variant is absent in gnomAD exomes database. This variant has been submitted to the ClinVar database as Uncertain Significance. The reference amino acid at this position on VWF gene is predicted as conserved by GERP++ and PhyloP across 100 vertebrates. The amino acid Gly at position 1643 is changed to a Ser changing protein sequence and it might alter its composition and physico-chemical properties. Multiple lines of computational evidence (Polyphen - Benign, SIFT - Tolerated and MutationTaster - Polymorphism) predict no damaging effect on protein structure and function for this variant. For these reasons, this variant has been classified as a Variant of Uncertain Significance (VUS).

Eurofins Ntd Llc (ga)
Classification: Uncertain significance. Last evaluated: 2015-07-13. Review status: criteria provided, single submitter. Criteria: EGL Classification Definitions 2015. Collection method: clinical testing. Allele origin: germline. Observed: 1 variant allele, 1 heterozygote.

NM_000552.5(VWF):c.4927G>A (p.Gly1643Ser)

Gene: VWF (von Willebrand factor; minus strand). Cytogenetic location: 12p13.31.
Variant type: single nucleotide variant.
Coding change: c.4927G>A on transcript NM_000552.5 (MANE Select); coding-DNA position 4927, G replaced by A.
Protein change: p.Gly1643Ser; replaces glycine 1643 with serine.
Molecular consequence: missense variant.
Genome position (GRCh38, 1-based): chr12:6,018,491, C>T on the plus strand (G>A on the coding strand, the complement: VWF is on the minus strand). VCF-style: chr12-6018491-C-T. GRCh37 (hg19) VCF-style: chr12-6127657-C-T.
Other names: short protein forms G1643S.
Identifiers: ClinVar variation 281927 (VCV000281927.7), dbSNP rs886042266, ClinGen allele CA10604006.